The following is an entry in ClinVar:

ClinVar aggregate classification (germline): Likely benign. Review status: criteria provided, multiple submitters, no conflicts (2 of 4 stars). 2 submissions from 2 submitters: Likely benign (2). Last evaluated 2025-08-09.

Conditions:
Hereditary cancer-predisposing syndrome. Also called: Neoplastic Syndromes, Hereditary; Hereditary Cancer Syndrome; Hereditary neoplastic syndrome; Tumor predisposition. Identifiers: Orphanet 140162, MedGen C0027672, MeSH D009386, MONDO:0015356.
MSH6-related disorder. Also called: MSH6-related condition; MSH6-Related disorders.

Submissions (2):

Ambry Genetics
Classification: Likely benign for Hereditary cancer-predisposing syndrome. Last evaluated: 2025-08-09. Review status: criteria provided, single submitter. Criteria: Ambry Variant Classification Scheme 2023. Collection method: clinical testing. Allele origin: germline.

PreventionGenetics, part of Exact Sciences
Classification: Likely benign for MSH6-related condition. Last evaluated: 2025-01-30. Review status: criteria provided, single submitter. Criteria: ACMG Guidelines, 2015. Collection method: clinical testing. Allele origin: germline.
Comment: This variant is classified as likely benign based on ACMG/AMP sequence variant interpretation guidelines (Richards et al. 2015 PMID: 25741868, with internal and published modifications).

NM_000179.3(MSH6):c.3729A>C (p.Thr1243=)

Gene: MSH6 (mutS homolog 6; plus strand). Cytogenetic location: 2p16.3.
Variant type: single nucleotide variant.
Coding change: c.3729A>C on transcript NM_000179.3 (MANE Select); coding-DNA position 3729, A replaced by C.
Protein change: p.Thr1243=; no amino-acid change (threonine 1243 retained).
Molecular consequence: synonymous variant. On other transcripts: non-coding transcript variant (5).
Genome position (GRCh38, 1-based): chr2:47,806,286, A>C. VCF-style: chr2-47806286-A-C. GRCh37 (hg19) VCF-style: chr2-48033425-A-C.
Other names: c.3339A>C, p.Thr1113= (NM_001281492.2); c.2823A>C, p.Thr941= (NM_001281493.2, NM_001281494.2, NM_001406811.1 and 6 more transcripts); c.3825A>C, p.Thr1275= (NM_001406795.1, NM_001406802.1); c.3729A>C, p.Thr1243= (NM_001406796.1, NM_001406800.1, NM_001406808.1 and 1 more transcripts); c.3432A>C, p.Thr1144= (NM_001406797.1, NM_001406801.1, NM_001406805.1 and 10 more transcripts); c.3555A>C, p.Thr1185= (NM_001406798.1); c.3204A>C, p.Thr1068= (NM_001406799.1, NM_001406806.1, NM_001406807.1); c.2865A>C, p.Thr955= (NM_001406803.1); and 7 more.
Identifiers: ClinVar variation 4111222 (VCV004111222.2).